The following is an entry in ClinVar:

NM_030957.4(ADAMTS10):c.2232T>G (p.Ser744Arg)

Gene: ADAMTS10 (ADAM metallopeptidase with thrombospondin type 1 motif 10; minus strand). Cytogenetic location: 19p13.2.
Variant type: single nucleotide variant.
Coding change: c.2232T>G on transcript NM_030957.4 (MANE Select); coding-DNA position 2232, T replaced by G.
Protein change: p.Ser744Arg; replaces serine 744 with arginine.
Molecular consequence: missense variant.
Genome position (GRCh38, 1-based): chr19:8,586,823, A>C on the plus strand (T>G on the coding strand, the complement: ADAMTS10 is on the minus strand). VCF-style: chr19-8586823-A-C. GRCh37 (hg19) VCF-style: chr19-8651707-A-C.
Other names: c.693T>G, p.Ser231Arg (NM_001282352.2); short protein forms S744R, S231R.
Identifiers: ClinVar variation 1945636 (VCV001945636.4), dbSNP rs2512583213, ClinGen allele CA403750237.
Genomic context (GRCh38, chr19:8,586,823, plus strand): 5'-ACCGCCCTCCCCACTGACCCCTAATCCTCATCCCCTCCCCACCATCTGCTCACCCAAGTG[A>C]CTGAGAGAGAGGTTCAGATCCTGGATGAAGATGTGGACGGAGCCTTTGGGAATCCAGACG-3'
Protein context (NP_112219.3, residues 734-754): IFIQDLNLSL[Ser744Arg]HLALKGDQES

ClinVar aggregate classification (germline): Uncertain significance (1 of 4 stars; one submission).

Submission:

Labcorp Genetics (formerly Invitae), Labcorp
Classification: Uncertain significance. Last evaluated: 2022-06-14. Review status: criteria provided, single submitter. Criteria: Invitae Variant Classification Sherloc (09022015). Collection method: clinical testing. Allele origin: germline.
Comment: This variant has not been reported in the literature in individuals affected with ADAMTS10-related conditions. This sequence change replaces serine, which is neutral and polar, with arginine, which is basic and polar, at codon 744 of the ADAMTS10 protein (p.Ser744Arg). This variant is not present in population databases (gnomAD no frequency). Algorithms developed to predict the effect of missense changes on protein structure and function (SIFT, PolyPhen-2, Align-GVGD) all suggest that this variant is likely to be disruptive. In summary, the available evidence is currently insufficient to determine the role of this variant in disease. Therefore, it has been classified as a Variant of Uncertain Significance.